The following is an entry in ClinVar:

ClinVar aggregate classification (germline): Uncertain significance. Review status: criteria provided, multiple submitters, no conflicts (2 of 4 stars). 4 submissions from 3 submitters: Uncertain significance (4). Last evaluated 2024-06-27.

Conditions:
Asphyxiating thoracic dystrophy 5 (SRTD5). Also called: SHORT-RIB THORACIC DYSPLASIA 5 WITH OR WITHOUT POLYDACTYLY; SHORT-RIB THORACIC DYSPLASIA 5 WITHOUT POLYDACTYLY. Identifiers: Orphanet 474, MedGen C3280598, MONDO:0013717, OMIM 614376.
Senior-Loken syndrome 8 (SLSN8). Identifiers: Orphanet 3156, MedGen C4225376, MONDO:0014579, OMIM 616307.
Cranioectodermal dysplasia 4 (CED4). Identifiers: Orphanet 1515, MedGen C3280616, MONDO:0013719, OMIM 614378.

Allele frequency attached by ClinVar (database versions not stated): ExAC 0.00001; gnomAD 0.00001; TOPMed 0.00001.
gnomAD v4.1: 45 of 1,608,802 alleles (0.0028%); highest among the groups gnomAD compares: Non-Finnish European, 0.0037%; no homozygotes.

Submissions (4):

Blueprint Genetics
Classification: Uncertain significance. Last evaluated: 2024-06-27. Review status: criteria provided, single submitter. Criteria: ACMG Guidelines, 2015. Collection method: clinical testing. Allele origin: germline.

Labcorp Genetics (formerly Invitae), Labcorp
Classification: Uncertain significance for Senior-Loken syndrome 8; Asphyxiating thoracic dystrophy 5. Last evaluated: 2022-03-27. Review status: criteria provided, single submitter. Criteria: Invitae Variant Classification Sherloc (09022015). Collection method: clinical testing. Allele origin: germline.
Comment: In summary, the available evidence is currently insufficient to determine the role of this variant in disease. Therefore, it has been classified as a Variant of Uncertain Significance. Algorithms developed to predict the effect of missense changes on protein structure and function (SIFT, PolyPhen-2, Align-GVGD) all suggest that this variant is likely to be tolerated. ClinVar contains an entry for this variant (Variation ID: 903419). This variant has not been reported in the literature in individuals affected with WDR19-related conditions. This variant is present in population databases (rs759424617, gnomAD 0.003%). This sequence change replaces tyrosine, which is neutral and polar, with serine, which is neutral and polar, at codon 1023 of the WDR19 protein (p.Tyr1023Ser).

Illumina Laboratory Services, Illumina
Classification: Uncertain significance for Asphyxiating thoracic dystrophy 5. Last evaluated: 2017-04-28. Review status: criteria provided, single submitter. Criteria: ICSL Variant Classification Criteria 13 December 2019. Collection method: clinical testing. Allele origin: germline.

Illumina Laboratory Services, Illumina
Classification: Uncertain significance for Cranioectodermal dysplasia 4. Last evaluated: 2017-04-28. Review status: criteria provided, single submitter. Criteria: ICSL Variant Classification Criteria 13 December 2019. Collection method: clinical testing. Allele origin: germline.

NM_025132.4(WDR19):c.3068A>C (p.Tyr1023Ser)

Gene: WDR19 (WD repeat domain 19; plus strand). Cytogenetic location: 4p14.
Variant type: single nucleotide variant.
Coding change: c.3068A>C on transcript NM_025132.4 (MANE Select); coding-DNA position 3068, A replaced by C.
Protein change: p.Tyr1023Ser; replaces tyrosine 1023 with serine.
Molecular consequence: missense variant.
Genome position (GRCh38, 1-based): chr4:39,255,914, A>C. VCF-style: chr4-39255914-A-C. GRCh37 (hg19) VCF-style: chr4-39257534-A-C.
Other names: c.2588A>C, p.Tyr863Ser (NM_001317924.2); short protein forms Y863S, Y1023S.
Identifiers: ClinVar variation 903419 (VCV000903419.7), dbSNP rs759424617, ClinGen allele CA2892252.